The following is an entry in ClinVar:

NC_000021.8:g.(?_36252834)_(36421595_?)del

Gene: RUNX1 (RUNX family transcription factor 1; minus strand). Cytogenetic location: 21q22.12.
Variant type: Deletion.
Identifiers: ClinVar variation 2424229 (VCV002424229.4).

ClinVar aggregate classification (germline): Pathogenic (1 of 4 stars; one submission).

Conditions:
Hereditary thrombocytopenia and hematological cancer predisposition syndrome associated with RUNX1. Also called: Familial Platelet Disorder with Propensity to Acute Myelogenous Leukemia; Familial thrombocytopenia with propensity to acute myelogenous leukemia; PLATELET DISORDER, ASPIRIN-LIKE; RUNX1 Familial Platelet Disorder with Associated Myeloid Malignancies. Identifiers: Orphanet 71290, MedGen C1832388, MeSH C563324, MONDO:0100083, OMIM 601399.

Submission:

Labcorp Genetics (formerly Invitae), Labcorp
Classification: Pathogenic for Hereditary thrombocytopenia and hematological cancer predisposition syndrome associated with RUNX1. Last evaluated: 2022-06-12. Review status: criteria provided, single submitter. Criteria: Invitae Variant Classification Sherloc (09022015). Collection method: clinical testing. Allele origin: germline.
Comment: For these reasons, this variant has been classified as Pathogenic. This variant has not been reported in the literature in individuals affected with RUNX1-related conditions. This variant is a gross deletion of the genomic region encompassing exon(s) 1-5 of the RUNX1 gene, which includes the initiator codon. This deletion extends beyond the assayed region for this gene and therefore may encompass additional genes. It is expected to result in an absent or disrupted protein product. Loss-of-function variants in RUNX1 are known to be pathogenic (PMID: 18723428, 24100448).

Literature cited by the submitters: PubMed 18723428; PubMed 24100448.